The following is an entry in ClinVar:

NM_004519.4(KCNQ3):c.*3597G>A

Gene: KCNQ3 (potassium voltage-gated channel subfamily Q member 3; minus strand). Cytogenetic location: 8q24.22.
Variant type: single nucleotide variant.
Coding change: c.*3597G>A on transcript NM_004519.4 (MANE Select); 3597 bases downstream of the stop codon, G replaced by A.
Molecular consequence: 3 prime UTR variant.
Genome position (GRCh38, 1-based): chr8:132,125,665, C>T on the plus strand (G>A on the coding strand, the complement: KCNQ3 is on the minus strand). VCF-style: chr8-132125665-C-T. GRCh37 (hg19) VCF-style: chr8-133137912-C-T.
Other names: c.*3597G>A (NM_001204824.2).
Identifiers: ClinVar variation 361823 (VCV000361823.7), dbSNP rs1025436, ClinGen allele CA10630190.

ClinVar aggregate classification (germline): Benign. Review status: criteria provided, multiple submitters, no conflicts (2 of 4 stars). 2 submissions from 2 submitters: Benign (2). Last evaluated 2018-01-13.

Conditions:
Seizures, benign familial neonatal, 2. Also called: CONVULSIONS, BENIGN FAMILIAL NEONATAL, 2; KCNQ3-Related Self-Limited Familial Neonatal Epilepsy (SLFNE); Benign Neonatal Epilepsy 2; KCNQ3-Related Benign Familial Neonatal Epilepsy; Seizures, benign neonatal, 2. Identifiers: Orphanet 1949, MedGen C1852581, MONDO:0007366, OMIM 121201.

Allele frequency attached by ClinVar (database versions not stated): 1000 Genomes Project 30x 0.72876; TOPMed 0.81855; 1000 Genomes Project 0.72085; gnomAD 0.82601 and 0.81916.

Submissions (2):

Illumina Laboratory Services, Illumina
Classification: Benign for Seizures, benign familial neonatal, 2. Last evaluated: 2018-01-13. Review status: criteria provided, single submitter. Criteria: ICSL Variant Classification Criteria 13 December 2019. Collection method: clinical testing. Allele origin: germline.
Comment: This variant was observed in the ICSL laboratory as part of a predisposition screen in an ostensibly healthy population. It had not been previously curated by ICSL or reported in the Human Gene Mutation Database (HGMD: prior to June 1st, 2018), and was therefore a candidate for classification through an automated scoring system. Utilizing variant allele frequency, disease prevalence and penetrance estimates, and inheritance mode, an automated score was calculated to assess if this variant is too frequent to cause the disease. Based on the score and internal cut-off values, a variant classified as benign is not then subjected to further curation. The score for this variant resulted in a classification of benign for this disease.

Breakthrough Genomics
Classification: Benign. Review status: criteria provided, single submitter. Criteria: ACMG Guidelines, 2015. Collection method: not provided. Allele origin: germline. Inheritance: Autosomal dominant inheritance. Affected: yes.